The following is an entry in ClinVar:

ClinVar aggregate classification (germline): Uncertain significance. Review status: criteria provided, multiple submitters, no conflicts (2 of 4 stars). 2 submissions from 2 submitters: Uncertain significance (2). Last evaluated 2024-03-12.

Conditions:
Hereditary cancer-predisposing syndrome. Also called: Hereditary neoplastic syndrome; Tumor predisposition; Neoplastic Syndromes, Hereditary; Hereditary Cancer Syndrome. Identifiers: Orphanet 140162, MedGen C0027672, MeSH D009386, MONDO:0015356.

Submissions (2):

Labcorp Genetics (formerly Invitae), Labcorp
Classification: Uncertain significance. Last evaluated: 2024-03-12. Review status: criteria provided, single submitter. Criteria: Invitae Variant Classification Sherloc (09022015). Collection method: clinical testing. Allele origin: germline.
Comment: This sequence change replaces cysteine, which is neutral and slightly polar, with serine, which is neutral and polar, at codon 1642 of the POLE protein (p.Cys1642Ser). This variant is not present in population databases (gnomAD no frequency). This variant has not been reported in the literature in individuals affected with POLE-related conditions. ClinVar contains an entry for this variant (Variation ID: 1349047). Advanced modeling of protein sequence and biophysical properties (such as structural, functional, and spatial information, amino acid conservation, physicochemical variation, residue mobility, and thermodynamic stability) performed at Invitae indicates that this missense variant is not expected to disrupt POLE protein function with a negative predictive value of 80%. In summary, the available evidence is currently insufficient to determine the role of this variant in disease. Therefore, it has been classified as a Variant of Uncertain Significance.

Ambry Genetics
Classification: Uncertain significance for Hereditary cancer-predisposing syndrome. Last evaluated: 2023-03-06. Review status: criteria provided, single submitter. Criteria: Ambry Variant Classification Scheme 2023. Collection method: clinical testing. Allele origin: germline.
Comment: The p.C1642S variant (also known as c.4925G>C), located in coding exon 37 of the POLE gene, results from a G to C substitution at nucleotide position 4925. The cysteine at codon 1642 is replaced by serine, an amino acid with dissimilar properties. This amino acid position is well conserved in available vertebrate species. In addition, this alteration is predicted to be tolerated by in silico analysis. Since supporting evidence is limited at this time, the clinical significance of this alteration remains unclear.

NM_006231.4(POLE):c.4925G>C (p.Cys1642Ser)

Gene: POLE (DNA polymerase epsilon, catalytic subunit; minus strand). Cytogenetic location: 12q24.33.
Variant type: single nucleotide variant.
Coding change: c.4925G>C on transcript NM_006231.4 (MANE Select); coding-DNA position 4925, G replaced by C.
Protein change: p.Cys1642Ser; replaces cysteine 1642 with serine.
Molecular consequence: missense variant.
Genome position (GRCh38, 1-based): chr12:132,642,533, C>G on the plus strand (G>C on the coding strand, the complement: POLE is on the minus strand). VCF-style: chr12-132642533-C-G. GRCh37 (hg19) VCF-style: chr12-133219119-C-G.
Other names: short protein forms C1642S.
Identifiers: ClinVar variation 1349047 (VCV001349047.10), dbSNP rs2042170217, ClinGen allele CA387377898.
Genomic context (GRCh38, chr12:132,642,533, plus strand): 5'-ACCACTGGCCCACAACGACAGTACTGTGCTCACCTGCTCATCTCGAAGGCCTGCGACAGG[C>G]AGGTGTCCAGGTTGAGGTAGTGACGGATCATGCGCCGGGCTCCATGGCGCTGCCAGTCCA-3'
Protein context (NP_006222.2, residues 1632-1652): MIRHYLNLDT[Cys1642Ser]LSQAFEMSRY